The following is an entry in ClinVar:

ClinVar aggregate classification (germline): Uncertain significance (1 of 4 stars; one submission).

Conditions:
Nephronophthisis 14 (NPHP14). Identifiers: Orphanet 2318, MedGen C3539071, MONDO:0013916, OMIM 614844.

Allele frequency attached by ClinVar (database versions not stated): gnomAD 0.00001; TOPMed 0.00001.
gnomAD v4.1: 1 of 1,614,044 alleles (0.000062%); highest among the groups gnomAD compares: Non-Finnish European, 0.000085%; no homozygotes.

Submission:

Labcorp Genetics (formerly Invitae), Labcorp
Classification: Uncertain significance for Nephronophthisis 14. Last evaluated: 2025-03-17. Review status: criteria provided, single submitter. Criteria: Invitae Variant Classification Sherloc (09022015). Collection method: clinical testing. Allele origin: germline.
Comment: This sequence change replaces isoleucine, which is neutral and non-polar, with valine, which is neutral and non-polar, at codon 66 of the ZNF423 protein (p.Ile66Val). This variant is not present in population databases (gnomAD no frequency). This variant has not been reported in the literature in individuals affected with ZNF423-related conditions. ClinVar contains an entry for this variant (Variation ID: 1019705). Invitae Evidence Modeling of protein sequence and biophysical properties (such as structural, functional, and spatial information, amino acid conservation, physicochemical variation, residue mobility, and thermodynamic stability) indicates that this missense variant is not expected to disrupt ZNF423 protein function with a negative predictive value of 80%. In summary, the available evidence is currently insufficient to determine the role of this variant in disease. Therefore, it has been classified as a Variant of Uncertain Significance.

NM_001379286.1(ZNF423):c.220A>G (p.Ile74Val)

Gene: ZNF423 (zinc finger protein 423; minus strand). Cytogenetic location: 16q12.1.
Variant type: single nucleotide variant.
Coding change: c.220A>G on transcript NM_001379286.1 (MANE Select); coding-DNA position 220, A replaced by G.
Protein change: p.Ile74Val; replaces isoleucine 74 with valine.
Molecular consequence: missense variant.
Genome position (GRCh38, 1-based): chr16:49,730,852, T>C on the plus strand (A>G on the coding strand, the complement: ZNF423 is on the minus strand). VCF-style: chr16-49730852-T-C. GRCh37 (hg19) VCF-style: chr16-49764763-T-C.
Other names: c.16A>G, p.Ile6Val (NM_001271620.2); c.196A>G, p.Ile66Val (NM_015069.5); short protein forms I66V, I6V, I74V.
Identifiers: ClinVar variation 1019705 (VCV001019705.8), dbSNP rs2033148726, ClinGen allele CA396110333.